The following is an entry in ClinVar:

ClinVar aggregate classification (germline): Likely pathogenic (1 of 4 stars; one submission).

Submission:

Labcorp Genetics (formerly Invitae), Labcorp
Classification: Likely pathogenic. Last evaluated: 2023-02-24. Review status: criteria provided, single submitter. Criteria: Invitae Variant Classification Sherloc (09022015). Collection method: clinical testing. Allele origin: germline.
Comment: In summary, the currently available evidence indicates that the variant is pathogenic, but additional data are needed to prove that conclusively. Therefore, this variant has been classified as Likely Pathogenic. Algorithms developed to predict the effect of sequence changes on RNA splicing suggest that this variant may disrupt the consensus splice site. This variant has not been reported in the literature in individuals affected with HMOX1-related conditions. This variant is not present in population databases (gnomAD no frequency). This sequence change affects a donor splice site in intron 1 of the HMOX1 gene. It is expected to disrupt RNA splicing. Variants that disrupt the donor or acceptor splice site typically lead to a loss of protein function (PMID: 16199547), and loss-of-function variants in HMOX1 are known to be pathogenic (PMID: 9884342, 21088618).

Literature cited by the submitters: PubMed 16199547; PubMed 9884342; PubMed 21088618.

NM_002133.3(HMOX1):c.23+1G>T

Genes: HMOX1 (heme oxygenase 1; plus strand), LOC130067299 (ATAC-STARR-seq lymphoblastoid silent region 13656; plus strand). Cytogenetic location: 22q12.3.
Variant type: single nucleotide variant.
Coding change: c.23+1G>T on transcript NM_002133.3 (MANE Select); the canonical splice donor site of the intron after coding-DNA position 23, G replaced by T.
Molecular consequence: splice donor variant.
Genome position (GRCh38, 1-based): chr22:35,381,197, G>T. VCF-style: chr22-35381197-G-T. GRCh37 (hg19) VCF-style: chr22-35777190-G-T.
Identifiers: ClinVar variation 2840397 (VCV002840397.3), dbSNP rs866959693, ClinGen allele CA411351127.